The following is an entry in ClinVar:

ClinVar aggregate classification (germline): Uncertain significance (1 of 4 stars; one submission).

Submission:

GeneDx
Classification: Uncertain significance. Last evaluated: 2024-01-29. Review status: criteria provided, single submitter. Criteria: GeneDx Variant Classification Process June 2021. Collection method: clinical testing. Allele origin: germline. Affected: yes.
Comment: Not observed at significant frequency in large population cohorts (gnomAD); In silico analysis supports that this missense variant does not alter protein structure/function; Has not been previously published as pathogenic or benign to our knowledge; This variant is associated with the following publications: (PMID: 18184292)

NM_000702.4(ATP1A2):c.1708A>G (p.Thr570Ala)

Gene: ATP1A2 (ATPase Na+/K+ transporting subunit alpha 2; plus strand). Cytogenetic location: 1q23.2.
Variant type: single nucleotide variant.
Coding change: c.1708A>G on transcript NM_000702.4 (MANE Select); coding-DNA position 1708, A replaced by G.
Protein change: p.Thr570Ala; replaces threonine 570 with alanine.
Molecular consequence: missense variant.
Genome position (GRCh38, 1-based): chr1:160,130,478, A>G. VCF-style: chr1-160130478-A-G. GRCh37 (hg19) VCF-style: chr1-160100268-A-G.
Other names: short protein forms T570A.
Identifiers: ClinVar variation 3368430 (VCV003368430.1).
Genomic context (GRCh38, chr1:160,130,478, plus strand): 5'-TTAGGATTCTGTCAACTGAATCTGCCATCTGGAAAGTTTCCTCGGGGCTTCAAATTCGAC[A>G]CGGATGAGCTGAACTTTCCCACGGAGAAGCTTTGCTTTGTGGGGCTCATGTCTATGATTG-3'
Protein context (NP_000693.1, residues 560-580): GKFPRGFKFD[Thr570Ala]DELNFPTEKL